The following is an entry in ClinVar:

NM_000218.3(KCNQ1):c.1660G>A (p.Val554Met)

Gene: KCNQ1 (potassium voltage-gated channel subfamily Q member 1; plus strand). Cytogenetic location: 11p15.5.
Variant type: single nucleotide variant.
Coding change: c.1660G>A on transcript NM_000218.3 (MANE Select); coding-DNA position 1660, G replaced by A.
Protein change: p.Val554Met; replaces valine 554 with methionine.
Molecular consequence: missense variant.
Genome position (GRCh38, 1-based): chr11:2,776,029, G>A. VCF-style: chr11-2776029-G-A. GRCh37 (hg19) VCF-style: chr11-2797259-G-A.
Other names: p.V554M:GTG>ATG; c.1564G>A, p.Val522Met (NM_001406836.1); c.1390G>A, p.Val464Met (NM_001406837.1); c.1120G>A, p.Val374Met (NM_001406838.1); c.1279G>A, p.Val427Met (NM_181798.2); short protein forms V427M, V554M, V464M, V522M, V374M.
Identifiers: ClinVar variation 200853 (VCV000200853.8), dbSNP rs794728533, ClinGen allele CA006124.

ClinVar aggregate classification (germline): Uncertain significance. Review status: criteria provided, multiple submitters, no conflicts (2 of 4 stars). 3 submissions from 3 submitters: Uncertain significance (3). Last evaluated 2025-08-10.

Conditions:
Long QT syndrome (LQTS). Identifiers: MedGen C0023976, MeSH D008133, MONDO:0002442. Disease mechanism: loss of function. Inheritance: Various modes of inheritance.

Allele frequency attached by ClinVar (database versions not stated): TOPMed below 0.00001.
gnomAD v4.1: 1 of 1,570,524 alleles (0.000064%); highest among the groups gnomAD compares: African/African-American, 0.0013%; no homozygotes.

Submissions (3):

Labcorp Genetics (formerly Invitae), Labcorp
Classification: Uncertain significance for Long QT syndrome. Last evaluated: 2025-08-10. Review status: criteria provided, single submitter. Criteria: Invitae Variant Classification Sherloc (09022015). Collection method: clinical testing. Allele origin: germline.
Comment: This sequence change replaces valine, which is neutral and non-polar, with methionine, which is neutral and non-polar, at codon 554 of the KCNQ1 protein (p.Val554Met). This variant is not present in population databases (gnomAD no frequency). This variant has not been reported in the literature in individuals affected with KCNQ1-related conditions. ClinVar contains an entry for this variant (Variation ID: 200853). Invitae Evidence Modeling of protein sequence and biophysical properties (such as structural, functional, and spatial information, amino acid conservation, physicochemical variation, residue mobility, and thermodynamic stability) has been performed for this missense variant. However, the output from this modeling did not meet the statistical confidence thresholds required to predict the impact of this variant on KCNQ1 protein function. In summary, the available evidence is currently insufficient to determine the role of this variant in disease. Therefore, it has been classified as a Variant of Uncertain Significance.

All of Us Research Program, National Institutes of Health
Classification: Uncertain significance for Long QT syndrome. Last evaluated: 2023-10-06. Review status: criteria provided, single submitter. Criteria: ACMG Guidelines, 2015. Collection method: clinical testing. Allele origin: germline. Inheritance: Autosomal dominant inheritance. Observed: 1 variant allele, 1 heterozygote.
Comment: This missense variant replaces valine with methionine at codon 554 of the KCNQ1 protein. Computational prediction suggests that this variant may have deleterious impact on protein structure and function (internally defined REVEL score threshold >= 0.7, PMID: 27666373). This variant is found within a highly conserved c-terminal cytoplasmic domain (a.a. 349-676). Rare non-truncating variants in this region have been shown to be significantly overrepresented in individuals with long QT syndrome (PMID: 32893267). To our knowledge, functional studies have not been reported for this variant. This variant has not been reported in individuals affected with cardiovascular disorders in the literature. This variant has not been identified in the general population by the Genome Aggregation Database (gnomAD). The available evidence is insufficient to determine the role of this variant in disease conclusively. Therefore, this variant is classified as a Variant of Uncertain Significance.

This study involves interpretation of variants in research participants for the purpose of population health screening. Participant phenotype was not available at the time of variant classification. Additional details can be found in publication PMID: 35346344, PMCID: PMC8962531

GeneDx
Classification: Uncertain significance. Last evaluated: 2021-02-18. Review status: criteria provided, single submitter. Criteria: GeneDx Variant Classification Process June 2021. Collection method: clinical testing. Allele origin: germline. Affected: yes.
Comment: Has not been previously published as pathogenic or benign to our knowledge; Not observed in large population cohorts (gnomAD); In silico analysis supports that this missense variant does not alter protein structure/function

Literature cited by the submitters: PubMed 32893267 (cited by All of Us Research Program, National Institutes of Health).